The following is an entry in ClinVar:

ClinVar aggregate classification (germline): Uncertain significance (1 of 4 stars; one submission).

Conditions:
Muscular dystrophy-dystroglycanopathy (congenital with brain and eye anomalies), type a, 8 (MDDGA8). Also called: WALKER-WARBURG SYNDROME OR MUSCLE-EYE-BRAIN DISEASE, GTDC2-RELATED. Identifiers: Orphanet 899, MedGen C3553813, MONDO:0013904, OMIM 614830.

Allele frequency attached by ClinVar (database versions not stated): gnomAD exomes below 0.00001 and 0.00001; ExAC 0.00001.
gnomAD v4.1: 3 of 1,613,862 alleles (0.00019%); highest among the groups gnomAD compares: Non-Finnish European, 0.00025%; no homozygotes.

Submission:

Labcorp Genetics (formerly Invitae), Labcorp
Classification: Uncertain significance for Muscular dystrophy-dystroglycanopathy (congenital with brain and eye anomalies), type a, 8. Last evaluated: 2020-02-15. Review status: criteria provided, single submitter. Criteria: Invitae Variant Classification Sherloc (09022015). Collection method: clinical testing. Allele origin: germline.
Comment: In summary, the available evidence is currently insufficient to determine the role of this variant in disease. Therefore, it has been classified as a Variant of Uncertain Significance. Algorithms developed to predict the effect of missense changes on protein structure and function (SIFT, PolyPhen-2, Align-GVGD) all suggest that this variant is likely to be tolerated, but these predictions have not been confirmed by published functional studies and their clinical significance is uncertain. This variant has not been reported in the literature in individuals with POMGNT2-related conditions. This variant is present in population databases (rs747275058, ExAC 0.002%). This sequence change replaces methionine with valine at codon 61 of the POMGNT2 protein (p.Met61Val). The methionine residue is moderately conserved and there is a small physicochemical difference between methionine and valine.

NM_032806.6(POMGNT2):c.181A>G (p.Met61Val)

Gene: POMGNT2 (protein O-linked mannose N-acetylglucosaminyltransferase 2 (beta 1,4-); minus strand). Cytogenetic location: 3p22.1.
Variant type: single nucleotide variant.
Coding change: c.181A>G on transcript NM_032806.6 (MANE Select); coding-DNA position 181, A replaced by G.
Protein change: p.Met61Val; replaces methionine 61 with valine.
Molecular consequence: missense variant.
Genome position (GRCh38, 1-based): chr3:43,081,251, T>C on the plus strand (A>G on the coding strand, the complement: POMGNT2 is on the minus strand). VCF-style: chr3-43081251-T-C. GRCh37 (hg19) VCF-style: chr3-43122743-T-C.
Other names: short protein forms M61V.
Identifiers: ClinVar variation 835427 (VCV000835427.4), dbSNP rs747275058, ClinGen allele CA2340141.
Genomic context (GRCh38, chr3:43,081,251, plus strand): 5'-AGCGGCAGATGCGGTCTGTGTGCGTGCGGCCCGTGCACACCATGTGTGTGCCGCCCTCCA[T>C]CAGGATCTGCAGTGCCTTCGGGTAGTCGATCCTCAGTGCTGGGGCTGGCTCTGTGGCCTG-3'
Protein context (NP_116195.2, residues 51-71): IDYPKALQIL[Met61Val]EGGTHMVCTG